The following is an entry in ClinVar:

NM_207118.3(GTF2H5):c.28A>G (p.Ile10Val)

Gene: GTF2H5 (general transcription factor IIH subunit 5; plus strand). Cytogenetic location: 6q25.3.
Variant type: single nucleotide variant.
Coding change: c.28A>G on transcript NM_207118.3 (MANE Select); coding-DNA position 28, A replaced by G.
Protein change: p.Ile10Val; replaces isoleucine 10 with valine.
Molecular consequence: missense variant.
Genome position (GRCh38, 1-based): chr6:158,170,531, A>G. VCF-style: chr6-158170531-A-G. GRCh37 (hg19) VCF-style: chr6-158591563-A-G.
Other names: short protein forms I10V.
Identifiers: ClinVar variation 1468201 (VCV001468201.5), dbSNP rs757056639, ClinGen allele CA4071525.

ClinVar aggregate classification (germline): Uncertain significance (1 of 4 stars; one submission).

Allele frequency attached by ClinVar (database versions not stated): gnomAD exomes below 0.00001 and 0.00001; ExAC 0.00001.
gnomAD v4.1: 4 of 1,607,588 alleles (0.00025%); highest among the groups gnomAD compares: East Asian, 0.0022%; no homozygotes.

Submission:

Labcorp Genetics (formerly Invitae), Labcorp
Classification: Uncertain significance. Last evaluated: 2021-08-24. Review status: criteria provided, single submitter. Criteria: Invitae Variant Classification Sherloc (09022015). Collection method: clinical testing. Allele origin: germline.
Comment: This sequence change replaces isoleucine with valine at codon 10 of the GTF2H5 protein (p.Ile10Val). The isoleucine residue is moderately conserved and there is a small physicochemical difference between isoleucine and valine. This variant is present in population databases (rs757056639, ExAC 0.01%). This variant has not been reported in the literature in individuals affected with GTF2H5-related conditions. Algorithms developed to predict the effect of missense changes on protein structure and function (SIFT, PolyPhen-2, Align-GVGD) all suggest that this variant is likely to be tolerated. In summary, the available evidence is currently insufficient to determine the role of this variant in disease. Therefore, it has been classified as a Variant of Uncertain Significance.